The following is an entry in ClinVar:

ClinVar aggregate classification (germline): Uncertain significance. Review status: criteria provided, multiple submitters, no conflicts (2 of 4 stars). 2 submissions from 2 submitters: Uncertain significance (2). Last evaluated 2024-02-05.

Conditions:
Inborn genetic diseases. Identifiers: MedGen C0950123, MeSH D030342.
Long chain 3-hydroxyacyl-CoA dehydrogenase deficiency. Also called: Deficiency of long-chain 3-hydroxyacyl-coenzyme A dehydrogenase; LCHAD Deficiency. Identifiers: Orphanet 5, MedGen C3711645, MONDO:0012173, OMIM 609016.
Mitochondrial trifunctional protein deficiency. Identifiers: Orphanet 746, MedGen C1969443, MONDO:0012172.

Allele frequency attached by ClinVar (database versions not stated): ExAC 0.00006.

Submissions (2):

Ambry Genetics
Classification: Uncertain significance for Inborn genetic diseases. Last evaluated: 2024-02-05. Review status: criteria provided, single submitter. Criteria: Ambry Variant Classification Scheme 2023. Collection method: clinical testing. Allele origin: germline.

Labcorp Genetics (formerly Invitae), Labcorp
Classification: Uncertain significance for Mitochondrial trifunctional protein deficiency; Long chain 3-hydroxyacyl-CoA dehydrogenase deficiency. Last evaluated: 2021-09-17. Review status: criteria provided, single submitter. Criteria: Invitae Variant Classification Sherloc (09022015). Collection method: clinical testing. Allele origin: germline.
Comment: This sequence change replaces methionine with threonine at codon 332 of the HADHA protein (p.Met332Thr). The methionine residue is weakly conserved and there is a moderate physicochemical difference between methionine and threonine. This variant is present in population databases (rs752285354, ExAC 0.01%). This variant has not been reported in the literature in individuals with HADHA-related conditions. Algorithms developed to predict the effect of missense changes on protein structure and function (SIFT, PolyPhen-2, Align-GVGD) all suggest that this variant is likely to be tolerated, but these predictions have not been confirmed by published functional studies and their clinical significance is uncertain. In summary, the available evidence is currently insufficient to determine the role of this variant in disease. Therefore, it has been classified as a Variant of Uncertain Significance.

NM_000182.5(HADHA):c.995T>C (p.Met332Thr)

Gene: HADHA (hydroxyacyl-CoA dehydrogenase trifunctional multienzyme complex subunit alpha; minus strand). Cytogenetic location: 2p23.3.
Variant type: single nucleotide variant.
Coding change: c.995T>C on transcript NM_000182.5 (MANE Select); coding-DNA position 995, T replaced by C.
Protein change: p.Met332Thr; replaces methionine 332 with threonine.
Molecular consequence: missense variant.
Genome position (GRCh38, 1-based): chr2:26,209,870, A>G on the plus strand (T>C on the coding strand, the complement: HADHA is on the minus strand). VCF-style: chr2-26209870-A-G. GRCh37 (hg19) VCF-style: chr2-26432739-A-G.
Other names: c.995T>C (NM_000182.4); short protein forms M332T.
Identifiers: ClinVar variation 2042976 (VCV002042976.2), dbSNP rs752285354, ClinGen allele CA1559696.